The following is an entry in ClinVar:

ClinVar aggregate classification (germline): Uncertain significance (1 of 4 stars; one submission).

Conditions:
Cohen syndrome (COH1). Also called: PEPPER SYNDROME; Cutis verticis gyrata, retinitis pigmentosa, and sensorineural deafness. Identifiers: Orphanet 193, MedGen C0265223, MONDO:0008999, OMIM 216550.

Submission:

Labcorp Genetics (formerly Invitae), Labcorp
Classification: Uncertain significance for Cohen syndrome. Last evaluated: 2021-06-15. Review status: criteria provided, single submitter. Criteria: Invitae Variant Classification Sherloc (09022015). Collection method: clinical testing. Allele origin: germline.
Comment: In summary, the available evidence is currently insufficient to determine the role of this variant in disease. Therefore, it has been classified as a Variant of Uncertain Significance. Algorithms developed to predict the effect of missense changes on protein structure and function are either unavailable or do not agree on the potential impact of this missense change (SIFT: "Not Available"; PolyPhen-2: "Probably Damaging"; Align-GVGD: "Not Available"). This variant has not been reported in the literature in individuals with VPS13B-related conditions. This variant is not present in population databases (ExAC no frequency). This sequence change replaces proline with alanine at codon 893 of the VPS13B protein (p.Pro893Ala). The proline residue is weakly conserved and there is a small physicochemical difference between proline and alanine.

NM_152564.5(VPS13B):c.2677C>G (p.Pro893Ala)

Gene: VPS13B (vacuolar protein sorting 13 homolog B; plus strand). Cytogenetic location: 8q22.2.
Variant type: single nucleotide variant.
Coding change: c.2677C>G on transcript NM_152564.5 (MANE Select); coding-DNA position 2677, C replaced by G.
Protein change: p.Pro893Ala; replaces proline 893 with alanine.
Molecular consequence: missense variant.
Genome position (GRCh38, 1-based): chr8:99,275,107, C>G. VCF-style: chr8-99275107-C-G. GRCh37 (hg19) VCF-style: chr8-100287335-C-G.
Other names: c.2677C>G, p.Pro893Ala (NM_017890.5); short protein forms P893A.
Identifiers: ClinVar variation 1468445 (VCV001468445.8), dbSNP rs373346647, ClinGen allele CA371862444.